The following is an entry in ClinVar:

NM_005359.6(SMAD4):c.728_735del (p.Gly243fs)

Gene: SMAD4 (SMAD family member 4; plus strand). Cytogenetic location: 18q21.2.
Variant type: Deletion.
Coding change: c.728_735del on transcript NM_005359.6 (MANE Select); coding-DNA positions 728 to 735, 8 bases deleted (GGCCTCAG; older notation c.728_735delGGCCTCAG).
Protein change: p.Gly243fs; shifts the reading frame from glycine 243.
Molecular consequence: frameshift variant.
Genome position (GRCh38, 1-based): chr18:51,058,185-51,058,192, GGCCTCAG deleted; deleting any 8 consecutive bases within chr18:51,058,181-51,058,192 gives the same sequence; the c. name uses the placement nearest the transcript's 3' end. VCF-style (leftmost placement, unchanged base first): chr18-51058180-ATCAGGGCC-A. GRCh37 (hg19) VCF-style: chr18-48584550-ATCAGGGCC-A.
Other names: c.728_735delGGCCTCAG (NM_005359.5); short protein forms G243fs.
Identifiers: ClinVar variation 405500 (VCV000405500.12), dbSNP rs1060500742, ClinGen allele CA16616070.
Genomic context (GRCh38, chr18:51,058,180, plus strand): 5'-TCTAGGTCAGCCTGCCAGTATACTGGGGGGCAGCCATAGTGAAGGACTGTTGCAGATAGC[ATCAGGGCC>A]TCAGCCAGGACAGCAGCAGAATGGATTTACTGGTCAGCCAGCTACTTACCATCATAGTAT-3'

ClinVar aggregate classification (germline): Pathogenic. Review status: criteria provided, multiple submitters, no conflicts (2 of 4 stars). 3 submissions from 3 submitters: Pathogenic (2). 1 of the submissions does not count toward it. Last evaluated 2021-01-28.

Conditions:
Juvenile polyposis syndrome (JPS). Identifiers: Orphanet 2929, MedGen C0345893, MONDO:0017380, OMIM 174900.

Submissions (3):

Labcorp Genetics (formerly Invitae), Labcorp
Classification: Pathogenic for Juvenile polyposis syndrome. Last evaluated: 2021-01-28. Review status: criteria provided, single submitter. Criteria: Invitae Variant Classification Sherloc (09022015). Collection method: clinical testing. Allele origin: germline.
Comment: For these reasons, this variant has been classified as Pathogenic. Loss-of-function variants in SMAD4 are known to be pathogenic. This particular variant has been reported in individuals affected with an overlapping spectrum of juvenile polyposis and hereditary hemorrhagic telangiectasia (PMID: 22331366). It is also known as c.724_731delTCAGGGCC in the literature. This sequence change deletes 8 nucleotides from exon 6 of the SMAD4 mRNA (c.728_735del), causing a frameshift at codon 243. This creates a premature translational stop signal (p.Gly243Alafs*18) and is expected to result in an absent or disrupted protein product.

GeneDx
Classification: Pathogenic. Last evaluated: 2015-07-20. Review status: criteria provided, single submitter. Criteria: GeneDx Variant Classification (06012015). Collection method: clinical testing. Allele origin: germline. Affected: yes.
Comment: The c.728_735delGGCCTCAG deletion in the SMAD4 gene has been reported previouslyin two patients with combined juvenile polyposis syndrome and hereditary hemorrhagictelangiectasia (Schwenter et al., 2012). This deletion causes a frameshift starting withcodon Glycine 243, changes this amino acid to an Alanine residue and creates a prematureStop codon at position 18 of the new reading frame, denoted p.Gly243AlafsX18. It ispredicted to cause loss of normal protein function either through protein truncation ornonsense-mediated mRNA decay. Therefore, we consider the c.728_735delGGCCTCAG deletion in SMAD4 to be a pathogenic variant.

Department of Pathology and Laboratory Medicine, Sinai Health System
Classification: Uncertain significance. Review status: no assertion criteria provided. Collection method: clinical testing. Allele origin: unknown. Affected: yes. Study: The Canadian Open Genetics Repository (COGR). Not counted in ClinVar's aggregate classification.

Literature cited by the submitters: PubMed 22331366 (cited by Labcorp Genetics (formerly Invitae), Labcorp).